The following is an entry in ClinVar:

NM_000161.3(GCH1):c.*150A>G

Gene: GCH1 (GTP cyclohydrolase 1; minus strand). Cytogenetic location: 14q22.2.
Variant type: single nucleotide variant.
Coding change: c.*150A>G on transcript NM_000161.3 (MANE Select); 150 bases downstream of the stop codon, A replaced by G.
Molecular consequence: 3 prime UTR variant. On other transcripts: missense variant (1), intron variant (3).
Genome position (GRCh38, 1-based): chr14:54,843,867, T>C on the plus strand (A>G on the coding strand, the complement: GCH1 is on the minus strand). VCF-style: chr14-54843867-T-C. GRCh37 (hg19) VCF-style: chr14-55310585-T-C.
Other names: c.629A>G, p.Lys210Arg (NM_001024070.2); c.*150A>G (NM_001424105.1); c.510-813A>G (NM_001424104.1); c.627-813A>G (NM_001024071.2); c.*16+134A>G (NM_001024024.2); short protein forms K210R.
Identifiers: ClinVar variation 4281391 (VCV004281391.7).

ClinVar aggregate classification (germline): Uncertain significance (1 of 4 stars; one submission).

gnomAD v4.1: 1 of 1,610,022 alleles (0.000062%); highest among the groups gnomAD compares: Non-Finnish European, 0.000085%; no homozygotes.

Submission:

CeGaT Center for Human Genetics Tuebingen
Classification: Uncertain significance. Last evaluated: 2025-09-01. Review status: criteria provided, single submitter. Criteria: CeGaT Center For Human Genetics Tuebingen Variant Classification Criteria Version 2. Collection method: clinical testing. Allele origin: germline. Affected: yes. Observed: 1 variant allele.
Comment: GCH1: PM2, PP3